The following is an entry in ClinVar:

ClinVar aggregate classification (germline): Uncertain significance. Review status: criteria provided, multiple submitters, no conflicts (2 of 4 stars). 2 submissions from 2 submitters: Uncertain significance (2). Last evaluated 2024-01-12.

Conditions:
Epilepsy, familial focal, with variable foci 3 (FFEVF3). Identifiers: MedGen C4310708, MONDO:0014925, OMIM 617118.
Inborn genetic diseases. Identifiers: MedGen C0950123, MeSH D030342.

Allele frequency attached by ClinVar (database versions not stated): ExAC 0.00001; gnomAD 0.00001; gnomAD exomes 0.00001; TOPMed 0.00002.
gnomAD v4.1: 11 of 1,611,808 alleles (0.00068%); highest among the groups gnomAD compares: African/African-American, 0.0013%; no homozygotes.

Submissions (2):

Labcorp Genetics (formerly Invitae), Labcorp
Classification: Uncertain significance for Epilepsy, familial focal, with variable foci 3. Last evaluated: 2024-01-12. Review status: criteria provided, single submitter. Criteria: Invitae Variant Classification Sherloc (09022015). Collection method: clinical testing. Allele origin: germline.
Comment: This sequence change replaces lysine, which is basic and polar, with methionine, which is neutral and non-polar, at codon 205 of the NPRL3 protein (p.Lys205Met). This variant is present in population databases (rs772928538, gnomAD 0.007%). This variant has not been reported in the literature in individuals affected with NPRL3-related conditions. ClinVar contains an entry for this variant (Variation ID: 2314114). Advanced modeling of protein sequence and biophysical properties (such as structural, functional, and spatial information, amino acid conservation, physicochemical variation, residue mobility, and thermodynamic stability) performed at Invitae indicates that this missense variant is not expected to disrupt NPRL3 protein function with a negative predictive value of 80%. In summary, the available evidence is currently insufficient to determine the role of this variant in disease. Therefore, it has been classified as a Variant of Uncertain Significance.

Ambry Genetics
Classification: Uncertain significance for Inborn genetic diseases. Last evaluated: 2022-10-07. Review status: criteria provided, single submitter. Criteria: Ambry Variant Classification Scheme 2023. Collection method: clinical testing. Allele origin: germline.

NM_001077350.3(NPRL3):c.614A>T (p.Lys205Met)

Genes: HBA-LCR (alpha-globin locus control region; plus strand), NPRL3 (NPR3 like, GATOR1 complex subunit; minus strand). Cytogenetic location: 16p13.3.
Variant type: single nucleotide variant.
Coding change: c.614A>T on transcript NM_001077350.3 (MANE Select); coding-DNA position 614, A replaced by T.
Protein change: p.Lys205Met; replaces lysine 205 with methionine.
Molecular consequence: missense variant.
Genome position (GRCh38, 1-based): chr16:110,540, T>A on the plus strand (A>T on the coding strand, the complement: NPRL3 is on the minus strand). VCF-style: chr16-110540-T-A. GRCh37 (hg19) VCF-style: chr16-160538-T-A.
Other names: c.77A>T, p.Lys26Met (NM_001039476.3); c.380A>T, p.Lys127Met (NM_001243247.2); c.539A>T, p.Lys180Met (NM_001243248.2, NM_001243249.2); short protein forms K127M, K205M, K26M, K180M.
Identifiers: ClinVar variation 2314114 (VCV002314114.5), dbSNP rs772928538, ClinGen allele CA7769612.
Genomic context (GRCh38, chr16:110,540, plus strand): 5'-CTGGCCCATAAGAAGGAGGTTAATAAGCACACCCACCTGTCTTACCTGTCATAAGCTTCC[T>A]TGAGGTCCCTGGCCAGCTTGCACTTGGGCAGGATGTGATGGAATGGGGACTGAGGACCTT-3'
Protein context (NP_001070818.1, residues 195-215): LPKCKLARDL[Lys205Met]EAYDSLCTSG